The following is an entry in ClinVar:

NM_003000.3(SDHB):c.691C>A (p.Leu231Met)

Gene: SDHB (succinate dehydrogenase complex iron sulfur subunit B; minus strand). Cytogenetic location: 1p36.13.
Variant type: single nucleotide variant.
Coding change: c.691C>A on transcript NM_003000.3 (MANE Select); coding-DNA position 691, C replaced by A.
Protein change: p.Leu231Met; replaces leucine 231 with methionine.
Molecular consequence: missense variant.
Genome position (GRCh38, 1-based): chr1:17,022,682, G>T on the plus strand (C>A on the coding strand, the complement: SDHB is on the minus strand). VCF-style: chr1-17022682-G-T. GRCh37 (hg19) VCF-style: chr1-17349177-G-T.
Other names: c.637C>A, p.Leu213Met (NM_001407361.1); short protein forms L213M, L231M.
Identifiers: ClinVar variation 4547739 (VCV004547739.1).

ClinVar aggregate classification (germline): Uncertain significance (1 of 4 stars; one submission).

Conditions:
Hereditary cancer-predisposing syndrome. Also called: Tumor predisposition; Hereditary Cancer Syndrome; Hereditary neoplastic syndrome; Neoplastic Syndromes, Hereditary. Identifiers: Orphanet 140162, MedGen C0027672, MeSH D009386, MONDO:0015356.

Submission:

Ambry Genetics
Classification: Uncertain significance for Hereditary cancer-predisposing syndrome. Last evaluated: 2025-09-28. Review status: criteria provided, single submitter. Criteria: Ambry Variant Classification Scheme 2023. Collection method: clinical testing. Allele origin: germline.
Comment: The p.L231M variant (also known as c.691C>A), located in coding exon 7 of the SDHB gene, results from a C to A substitution at nucleotide position 691. The leucine at codon 231 is replaced by methionine, an amino acid with highly similar properties. This amino acid position is conserved. In addition, this alteration is predicted to be deleterious by in silico analysis. Based on the available evidence, the clinical significance of this variant remains unclear.